The following is an entry in ClinVar:

NM_002485.5(NBN):c.1072G>A (p.Val358Met)

Gene: NBN (nibrin; minus strand). Cytogenetic location: 8q21.3.
Variant type: single nucleotide variant.
Coding change: c.1072G>A on transcript NM_002485.5 (MANE Select); coding-DNA position 1072, G replaced by A.
Protein change: p.Val358Met; replaces valine 358 with methionine.
Molecular consequence: missense variant.
Genome position (GRCh38, 1-based): chr8:89,958,777, C>T on the plus strand (G>A on the coding strand, the complement: NBN is on the minus strand). VCF-style: chr8-89958777-C-T. GRCh37 (hg19) VCF-style: chr8-90971005-C-T.
Other names: c.826G>A, p.Val276Met (NM_001024688.3); short protein forms V358M, V276M.
Identifiers: ClinVar variation 1783917 (VCV001783917.2), dbSNP rs2488260524, ClinGen allele CA371656670.

ClinVar aggregate classification (germline): Uncertain significance (1 of 4 stars; one submission).

Conditions:
Hereditary cancer-predisposing syndrome. Also called: Neoplastic Syndromes, Hereditary; Tumor predisposition; Hereditary Cancer Syndrome; Hereditary neoplastic syndrome. Identifiers: Orphanet 140162, MedGen C0027672, MeSH D009386, MONDO:0015356.

Submission:

Ambry Genetics
Classification: Uncertain significance for Hereditary cancer-predisposing syndrome. Last evaluated: 2021-06-16. Review status: criteria provided, single submitter. Criteria: Ambry Variant Classification Scheme 2023. Collection method: clinical testing. Allele origin: germline.
Comment: The p.V358M variant (also known as c.1072G>A), located in coding exon 9 of the NBN gene, results from a G to A substitution at nucleotide position 1072. The valine at codon 358 is replaced by methionine, an amino acid with highly similar properties. This amino acid position is not well conserved in available vertebrate species. In addition, this alteration is predicted to be tolerated by in silico analysis. Since supporting evidence is limited at this time, the clinical significance of this alteration remains unclear.